The following is an entry in ClinVar:

NM_005609.4(PYGM):c.228T>A (p.Tyr76Ter)

Gene: PYGM (glycogen phosphorylase, muscle associated; minus strand). Cytogenetic location: 11q13.1.
Variant type: single nucleotide variant.
Coding change: c.228T>A on transcript NM_005609.4 (MANE Select); coding-DNA position 228, T replaced by A.
Protein change: p.Tyr76Ter; replaces tyrosine 76 with a stop codon.
Molecular consequence: nonsense.
Genome position (GRCh38, 1-based): chr11:64,759,671, A>T on the plus strand (T>A on the coding strand, the complement: PYGM is on the minus strand). VCF-style: chr11-64759671-A-T. GRCh37 (hg19) VCF-style: chr11-64527143-A-T.
Other names: c.228T>A, p.Tyr76Ter (NM_001164716.1); short protein forms Y76*.
Identifiers: ClinVar variation 2105818 (VCV002105818.4), dbSNP rs2496674822, ClinGen allele CA381111913.

ClinVar aggregate classification (germline): Pathogenic (1 of 4 stars; one submission).

Conditions:
Glycogen storage disease, type V (GSD5). Also called: MCARDLE DISEASE; MUSCLE GLYCOGEN PHOSPHORYLASE DEFICIENCY; MYOPHOSPHORYLASE DEFICIENCY; PYGM DEFICIENCY; McArdle type glycogen storage disease. Identifiers: Orphanet 368, MedGen C0017924, MONDO:0009293, OMIM 232600.

gnomAD v4.1: 1 of 1,613,686 alleles (0.000062%); highest among the groups gnomAD compares: Non-Finnish European, 0.000085%; no homozygotes.

Submission:

Labcorp Genetics (formerly Invitae), Labcorp
Classification: Pathogenic for Glycogen storage disease, type V. Last evaluated: 2022-09-07. Review status: criteria provided, single submitter. Criteria: Invitae Variant Classification Sherloc (09022015). Collection method: clinical testing. Allele origin: germline.
Comment: For these reasons, this variant has been classified as Pathogenic. This variant has not been reported in the literature in individuals affected with PYGM-related conditions. This variant is not present in population databases (gnomAD no frequency). This sequence change creates a premature translational stop signal (p.Tyr76*) in the PYGM gene. It is expected to result in an absent or disrupted protein product. Loss-of-function variants in PYGM are known to be pathogenic (PMID: 8316268, 16786513).

Literature cited by the submitters: PubMed 8316268; PubMed 16786513.